The following is an entry in ClinVar:

ClinVar aggregate classification (germline): Uncertain significance (1 of 4 stars; one submission).

Conditions:
Gastrointestinal stromal tumor. Also called: Gastrointestinal stromal tumor, somatic; Gastrointestinal stroma tumor. Identifiers: Orphanet 44890, MedGen C0238198, MeSH D046152, MONDO:0011719, OMIM 606764, HP:0100723.

Submission:

Labcorp Genetics (formerly Invitae), Labcorp
Classification: Uncertain significance for Gastrointestinal stromal tumor. Last evaluated: 2022-02-20. Review status: criteria provided, single submitter. Criteria: Invitae Variant Classification Sherloc (09022015). Collection method: clinical testing. Allele origin: germline.
Comment: This variant has not been reported in the literature in individuals affected with KIT-related conditions. This variant is not present in population databases (gnomAD no frequency). This sequence change replaces serine, which is neutral and polar, with glycine, which is neutral and non-polar, at codon 868 of the KIT protein (p.Ser868Gly). Algorithms developed to predict the effect of missense changes on protein structure and function (SIFT, PolyPhen-2, Align-GVGD) all suggest that this variant is likely to be disruptive. In summary, the available evidence is currently insufficient to determine the role of this variant in disease. Therefore, it has been classified as a Variant of Uncertain Significance.

NM_000222.3(KIT):c.2602A>G (p.Ser868Gly)

Gene: KIT (KIT proto-oncogene, receptor tyrosine kinase; plus strand). Cytogenetic location: 4q12.
Variant type: single nucleotide variant.
Coding change: c.2602A>G on transcript NM_000222.3 (MANE Select); coding-DNA position 2602, A replaced by G.
Protein change: p.Ser868Gly; replaces serine 868 with glycine.
Molecular consequence: missense variant.
Genome position (GRCh38, 1-based): chr4:54,736,726, A>G. VCF-style: chr4-54736726-A-G. GRCh37 (hg19) VCF-style: chr4-55602892-A-G.
Other names: c.2590A>G, p.Ser864Gly (NM_001093772.2, NM_001385292.1); c.2605A>G, p.Ser869Gly (NM_001385284.1); c.2599A>G, p.Ser867Gly (NM_001385285.1); c.2587A>G, p.Ser863Gly (NM_001385286.1); c.2593A>G, p.Ser865Gly (NM_001385288.1); c.2602A>G, p.Ser868Gly (NM_001385290.1); short protein forms S868G, S863G, S865G, S867G, S869G, S864G.
Identifiers: ClinVar variation 1505047 (VCV001505047.8), dbSNP rs2109812250, ClinGen allele CA356913560.
Genomic context (GRCh38, chr4:54,736,726, plus strand): 5'-TTCATTGGTGTCCTGCTTCCTTGTGATTAACACTGCTTTGCAAACTGTGTCTCAGGAAGC[A>G]GCCCCTATCCTGGAATGCCGGTCGATTCTAAGTTCTACAAGATGATCAAGGAAGGCTTCC-3'
Protein context (NP_000213.1, residues 858-878): FLWELFSLGS[Ser868Gly]PYPGMPVDSK